The following is an entry in ClinVar:

ClinVar aggregate classification (germline): Conflicting classifications of pathogenicity. Review status: criteria provided, conflicting classifications (1 of 4 stars). 8 submissions from 8 submitters: Uncertain significance (6); Likely benign (2). Last evaluated 2026-09-18.

Conditions:
TRIOBP-related disorder. Also called: TRIOBP-related condition.
Autosomal recessive nonsyndromic hearing loss 28. Identifiers: Orphanet 90636, MedGen C1853276, MONDO:0012355, OMIM 609823.

Allele frequency attached by ClinVar (database versions not stated): gnomAD 0.00013; gnomAD exomes 0.00028 and 0.00039; ExAC 0.00038; TOPMed 0.00041.
gnomAD v4.1: 460 of 1,613,438 alleles (0.029%); highest among the groups gnomAD compares: Middle Eastern, 0.77%; 1 homozygote.

Submissions (8):

PreventionGenetics, part of Exact Sciences
Classification: Uncertain significance for TRIOBP-related condition. Last evaluated: 2026-09-18. Review status: criteria provided, single submitter. Criteria: ACMG Guidelines, 2015. Collection method: clinical testing. Allele origin: germline.
Comment: The TRIOBP c.6515G>A variant is predicted to result in the amino acid substitution p.Arg2172Gln. To our knowledge, this variant has not been reported in the literature. This variant is reported in 0.071% of alleles in individuals of Latino descent in gnomAD. Although we suspect that this variant may be benign, at this time, the clinical significance of this variant is uncertain due to the absence of conclusive functional and genetic evidence.

CeGaT Center for Human Genetics Tuebingen
Classification: Likely benign. Last evaluated: 2026-06-01. Review status: criteria provided, single submitter. Criteria: CeGaT Center For Human Genetics Tuebingen Variant Classification Criteria Version 2. Collection method: clinical testing. Allele origin: germline. Affected: yes. Observed: 2 variant alleles.
Comment: TRIOBP: BP4

Blueprint Genetics
Classification: Uncertain significance. Last evaluated: 2024-10-21. Review status: criteria provided, single submitter. Criteria: ACMG Guidelines, 2015. Collection method: clinical testing. Allele origin: germline.

GeneDx
Classification: Uncertain significance. Last evaluated: 2022-08-30. Review status: criteria provided, single submitter. Criteria: GeneDx Variant Classification Process June 2021. Collection method: clinical testing. Allele origin: germline. Affected: yes.
Comment: In silico analysis, which includes protein predictors and evolutionary conservation, supports a deleterious effect; Has not been previously published as pathogenic or benign to our knowledge

Labcorp Genetics (formerly Invitae), Labcorp
Classification: Uncertain significance. Last evaluated: 2022-08-16. Review status: criteria provided, single submitter. Criteria: Invitae Variant Classification Sherloc (09022015). Collection method: clinical testing. Allele origin: germline.
Comment: This sequence change replaces arginine, which is basic and polar, with glutamine, which is neutral and polar, at codon 2172 of the TRIOBP protein (p.Arg2172Gln). This variant is present in population databases (rs200528850, gnomAD 0.08%). This variant has not been reported in the literature in individuals affected with TRIOBP-related conditions. ClinVar contains an entry for this variant (Variation ID: 229368). Algorithms developed to predict the effect of missense changes on protein structure and function are either unavailable or do not agree on the potential impact of this missense change (SIFT: "Deleterious"; PolyPhen-2: "Probably Damaging"; Align-GVGD: "Class C0"). In summary, the available evidence is currently insufficient to determine the role of this variant in disease. Therefore, it has been classified as a Variant of Uncertain Significance.

Department of Pathology and Laboratory Medicine, Sinai Health System
Classification: Uncertain significance for Autosomal recessive nonsyndromic hearing loss 28. Last evaluated: 2021-09-17. Review status: criteria provided, single submitter. Criteria: ACMG Guidelines, 2015. Collection method: research. Allele origin: germline.

Laboratory for Molecular Medicine, Mass General Brigham Personalized Medicine
Classification: Likely benign. Last evaluated: 2021-01-14. Review status: criteria provided, single submitter. Criteria: LMM Criteria. Collection method: clinical testing. Allele origin: germline. Observed: 5 variant alleles.
Comment: proposed classification - variant undergoing re-assessment, contact laboratory

Fulgent Genetics
Classification: Uncertain significance for Autosomal recessive nonsyndromic hearing loss 28. Last evaluated: 2018-10-31. Review status: criteria provided, single submitter. Criteria: ACMG Guidelines, 2015. Collection method: clinical testing. Allele origin: unknown.

NM_001039141.3(TRIOBP):c.6515G>A (p.Arg2172Gln)

Gene: TRIOBP (TRIO and F-actin binding protein; plus strand). Cytogenetic location: 22q13.1.
Variant type: single nucleotide variant.
Coding change: c.6515G>A on transcript NM_001039141.3 (MANE Select); coding-DNA position 6515, G replaced by A.
Protein change: p.Arg2172Gln; replaces arginine 2172 with glutamine.
Molecular consequence: missense variant.
Genome position (GRCh38, 1-based): chr22:37,768,116, G>A. VCF-style: chr22-37768116-G-A. GRCh37 (hg19) VCF-style: chr22-38164123-G-A.
Other names: c.1376G>A, p.Arg459Gln (NM_007032.5); short protein forms R2172Q, R459Q.
Identifiers: ClinVar variation 229368 (VCV000229368.20), dbSNP rs200528850, ClinGen allele CA10225082.